The following is an entry in ClinVar:

NM_181523.3(PIK3R1):c.1745T>C (p.Met582Thr)

Gene: PIK3R1 (phosphoinositide-3-kinase regulatory subunit 1; plus strand). Cytogenetic location: 5q13.1.
Variant type: single nucleotide variant.
Coding change: c.1745T>C on transcript NM_181523.3 (MANE Select); coding-DNA position 1745, T replaced by C.
Protein change: p.Met582Thr; replaces methionine 582 with threonine.
Molecular consequence: missense variant.
Genome position (GRCh38, 1-based): chr5:68,295,324, T>C. VCF-style: chr5-68295324-T-C. GRCh37 (hg19) VCF-style: chr5-67591152-T-C.
Other names: c.656T>C, p.Met219Thr (NM_001242466.2); c.935T>C, p.Met312Thr (NM_181504.4); c.845T>C, p.Met282Thr (NM_181524.2); short protein forms M219T, M312T, M582T, M282T.
Identifiers: ClinVar variation 1899587 (VCV001899587.7), dbSNP rs766887688, ClinGen allele CA3290467.

ClinVar aggregate classification (germline): Uncertain significance. Review status: criteria provided, multiple submitters, no conflicts (2 of 4 stars). 2 submissions from 2 submitters: Uncertain significance (2). Last evaluated 2025-10-30.

Conditions:
Agammaglobulinemia 7, autosomal recessive (AGM7). Also called: AGAMMAGLOBULINEMIA, AUTOSOMAL RECESSIVE, DUE TO PIK3R1 DEFECT. Identifiers: MedGen C3554689, MONDO:0014083, OMIM 615214.
Immunodeficiency 36 with lymphoproliferation. Also called: Immunodeficiency 36; ACTIVATED PI3K-DELTA SYNDROME 2; Activated PI3K Delta Syndrome Type 2 (APDS2). Identifiers: Orphanet 397596, Orphanet 693681, MedGen C4014934, MONDO:0014453, OMIM 616005.
SHORT syndrome. Also called: SHORT STATURE, HYPEREXTENSIBILITY, HERNIA, OCULAR DEPRESSION, RIEGER ANOMALY, AND TEETHING DELAY; LIPODYSTROPHY, PARTIAL, WITH RIEGER ANOMALY AND SHORT STATURE; PIK3R1-Related SHORT Syndrome. Identifiers: Orphanet 3163, MedGen C0878684, MONDO:0010026, OMIM 269880.

Allele frequency attached by ClinVar (database versions not stated): gnomAD exomes below 0.00001; ExAC 0.00001.
gnomAD v4.1: 1 of 1,612,596 alleles (0.000062%); highest among the groups gnomAD compares: Non-Finnish European, 0.000085%; no homozygotes.

Submissions (2):

Dasa
Classification: Uncertain significance. Last evaluated: 2025-10-30. Review status: criteria provided, single submitter. Criteria: DASA Assertion Criteria. Collection method: clinical testing. Allele origin: germline.
Comment: NM_181523.3(PIK3R1):c.1745T>C (p.Met582Thr) is a missense variant that results in the substitution of methionine with threonine. The affected residue or protein region has prior evidence supporting clinical relevance. This variant is rare in population databases. Computational prediction algorithms are consistent with a benign effect. The currently available literature and clinical evidence are not sufficient to establish a definitive association between this variant and the reported condition. Therefore, this variant is classified as a variant of uncertain significance.

Labcorp Genetics (formerly Invitae), Labcorp
Classification: Uncertain significance for SHORT syndrome; Immunodeficiency 36 with lymphoproliferation; Agammaglobulinemia 7, autosomal recessive. Last evaluated: 2022-04-20. Review status: criteria provided, single submitter. Criteria: Invitae Variant Classification Sherloc (09022015). Collection method: clinical testing. Allele origin: germline.
Comment: In summary, the available evidence is currently insufficient to determine the role of this variant in disease. Therefore, it has been classified as a Variant of Uncertain Significance. Algorithms developed to predict the effect of missense changes on protein structure and function (SIFT, PolyPhen-2, Align-GVGD) all suggest that this variant is likely to be tolerated. This variant has not been reported in the literature in individuals affected with PIK3R1-related conditions. This variant is present in population databases (rs766887688, gnomAD 0.0009%). This sequence change replaces methionine, which is neutral and non-polar, with threonine, which is neutral and polar, at codon 582 of the PIK3R1 protein (p.Met582Thr).